The following is an entry in ClinVar:

ClinVar aggregate classification (germline): Uncertain significance (1 of 4 stars; one submission).

Conditions:
Cardiomyopathy (CMYO). Also called: Cardiomyopathies. Identifiers: Orphanet 167848, MedGen C0878544, MONDO:0004994, HP:0001638. Inheritance: Various modes of inheritance.

Submission:

Color Diagnostics, LLC DBA Color Health
Classification: Uncertain significance for Cardiomyopathy. Last evaluated: 2025-07-22. Review status: criteria provided, single submitter. Criteria: ACMG Guidelines, 2015. Collection method: clinical testing. Allele origin: germline.
Comment: This variant causes an A to G nucleotide substitution at the +5 position of intron 54 of the RYR2 gene. To our knowledge, functional studies have not been reported for this variant. This variant has not been reported in individuals affected with RYR2-related disorders in the literature. This variant has not been identified in the general population by the Genome Aggregation Database (gnomAD). The available evidence is insufficient to determine the role of this variant in disease conclusively. Therefore, this variant is classified as a Variant of Uncertain Significance.

NM_001035.3(RYR2):c.8208+5A>G

Gene: RYR2 (ryanodine receptor 2; plus strand). Cytogenetic location: 1q43.
Variant type: single nucleotide variant.
Coding change: c.8208+5A>G on transcript NM_001035.3 (MANE Select); 5 bases into the intron after coding-DNA position 8208, A replaced by G.
Molecular consequence: intron variant.
Genome position (GRCh38, 1-based): chr1:237,658,027, A>G. VCF-style: chr1-237658027-A-G. GRCh37 (hg19) VCF-style: chr1-237821327-A-G.
Identifiers: ClinVar variation 4758924 (VCV004758924.1).
Genomic context (GRCh38, chr1:237,658,027, plus strand): 5'-AATACTTCATTAACAAATATGCAGAACACTCCCATGACAAATGGTCAATGGACAAGGTAA[A>G]AAGAGTATTACATTCTAATTCAGTAGTCATTATTAATGACTGGTCACTGTTCAAATATTT-3'